The following is an entry in ClinVar:

ClinVar aggregate classification (germline): Uncertain significance. Review status: criteria provided, multiple submitters, no conflicts (2 of 4 stars). 2 submissions from 2 submitters: Uncertain significance (2). Last evaluated 2025-10-23.

Conditions:
Cardiovascular phenotype. Identifiers: MedGen CN230736.
Dilated cardiomyopathy 1J (CMD1J). Also called: CARDIOMYOPATHY, DILATED, WITH SENSORINEURAL HEARING LOSS, AUTOSOMAL DOMINANT. Identifiers: Orphanet 217622, MedGen C1854368, MONDO:0011541, OMIM 605362.

Allele frequency attached by ClinVar (database versions not stated): gnomAD exomes below 0.00001; gnomAD 0.00002; TOPMed 0.00005.
gnomAD v4.1: 4 of 1,613,738 alleles (0.00025%); highest among the groups gnomAD compares: African/African-American, 0.004%; no homozygotes.

Submissions (2):

Labcorp Genetics (formerly Invitae), Labcorp
Classification: Uncertain significance for Dilated cardiomyopathy 1J. Last evaluated: 2025-10-23. Review status: criteria provided, single submitter. Criteria: Invitae Variant Classification Sherloc (09022015). Collection method: clinical testing. Allele origin: germline.
Comment: This sequence change replaces threonine, which is neutral and polar, with proline, which is neutral and non-polar, at codon 211 of the EYA4 protein (p.Thr211Pro). This variant is not present in population databases (gnomAD no frequency). This variant has not been reported in the literature in individuals affected with EYA4-related conditions. ClinVar contains an entry for this variant (Variation ID: 3091323). Invitae Evidence Modeling of protein sequence and biophysical properties (such as structural, functional, and spatial information, amino acid conservation, physicochemical variation, residue mobility, and thermodynamic stability) indicates that this missense variant is not expected to disrupt EYA4 protein function with a negative predictive value of 80%. In summary, the available evidence is currently insufficient to determine the role of this variant in disease. Therefore, it has been classified as a Variant of Uncertain Significance.

Ambry Genetics
Classification: Uncertain significance for Cardiovascular phenotype. Last evaluated: 2023-10-05. Review status: criteria provided, single submitter. Criteria: Ambry Variant Classification Scheme 2023. Collection method: clinical testing. Allele origin: germline.

NM_004100.5(EYA4):c.631A>C (p.Thr211Pro)

Gene: EYA4 (EYA transcriptional coactivator and phosphatase 4; plus strand). Cytogenetic location: 6q23.2.
Variant type: single nucleotide variant.
Coding change: c.631A>C on transcript NM_004100.5 (MANE Select); coding-DNA position 631, A replaced by C.
Protein change: p.Thr211Pro; replaces threonine 211 with proline.
Molecular consequence: missense variant.
Genome position (GRCh38, 1-based): chr6:133,462,671, A>C. VCF-style: chr6-133462671-A-C. GRCh37 (hg19) VCF-style: chr6-133783809-A-C.
Other names: c.469A>C, p.Thr157Pro (NM_001301012.2, NM_001370459.1); c.631A>C, p.Thr211Pro (NM_001301013.2, NM_172105.4); c.562A>C, p.Thr188Pro (NM_001370458.1, NM_172103.4); short protein forms T157P, T211P, T188P.
Identifiers: ClinVar variation 3091323 (VCV003091323.3), dbSNP rs1171687756, ClinGen allele CA365699099.